The following is an entry in ClinVar:

ClinVar aggregate classification (germline): Likely pathogenic. Review status: criteria provided, multiple submitters, no conflicts (2 of 4 stars). 2 submissions from 2 submitters: Likely pathogenic (2). Last evaluated 2024-10-09.

Conditions:
ACTA1-related disorder. Also called: ACTA1-related condition.
Alpha-actinopathy. Also called: Actinopathy. Identifiers: MedGen CN295279, MONDO:0100084.

Submissions (2):

Victorian Clinical Genetics Services, Murdoch Childrens Research Institute
Classification: Likely pathogenic for Alpha-actinopathy. Last evaluated: 2024-10-09. Review status: criteria provided, single submitter. Criteria: ACMG Guidelines, 2015. Collection method: clinical testing. Allele origin: germline. Affected: yes.
Comment: Based on the classification scheme VCGS_Germline_v1.3.4, this variant is classified as Likely pathogenic. Following criteria are met: 0102 - Loss of function is a known mechanism and dominant negative is a likely mechanism of disease in this gene and is associated with alpha-actinopathy (MONDO:0100084). Missense variants have been described to result in decreased actin motility and create protein aggregates within the cytoplasm, though co-expression with wildtype was not observed (PMID: 15198992, OMIM). (I) 0108 - This gene is associated with both recessive and dominant disease. There is currently no genotype-phenotype correlation (OMIM); however, nearly all premature termination codons have been reported for the autosomal recessive disease (PMID: 19562689). (I) 0200 - Variant is predicted to result in a missense amino acid change from threonine to isoleucine. (I) 0251 - This variant is heterozygous. (I) 0301 - Variant is absent from gnomAD (both v2 and v3). (SP) 0501 - Missense variant consistently predicted to be damaging by multiple in silico tools or highly conserved with a major amino acid change. (SP) 0600 - Variant is located in the annotated actin domain (DECIPHER). (I) 0703 - Another missense variant comparable to the one identified in this case has moderate previous evidence for pathogenicity. p.(Thr353Ala) has been classified as a VUS in ClinVar, including in a de novo individual with ACTA1-related features (ClinVar, personal communication). This variant has also been reported as de novo in an individual from a cohort with myopathies and muscular dystrophies and was classified as likely pathogenic/pathogenic (PMIDs: 29792937, 33667896). (SP) 0807 - This variant has no previous evidence of pathogenicity. (I) 0905 - No published segregation evidence has been identified for this variant. (I) 1007 - No published functional evidence has been identified for this variant. (I) Legend: (SP) - Supporting pathogenic, (I) - Information, (SB) - Supporting benign

Blueprint Genetics
Classification: Likely pathogenic for ACTA1-related disorders. Last evaluated: 2023-12-29. Review status: criteria provided, single submitter. Criteria: ACMG Guidelines, 2015. Collection method: clinical testing. Allele origin: germline. Affected: yes. Observed: 1 variant allele.

Literature cited by the submitters: PubMed 15198992 (cited by Victorian Clinical Genetics Services, Murdoch Childrens Research Institute); PubMed 19562689 (cited by Victorian Clinical Genetics Services, Murdoch Childrens Research Institute); PubMed 29792937 (cited by Victorian Clinical Genetics Services, Murdoch Childrens Research Institute); PubMed 33667896 (cited by Victorian Clinical Genetics Services, Murdoch Childrens Research Institute).

NM_001100.4(ACTA1):c.1058C>T (p.Thr353Ile)

Gene: ACTA1 (actin alpha 1, skeletal muscle; minus strand). Cytogenetic location: 1q42.13.
Variant type: single nucleotide variant.
Coding change: c.1058C>T on transcript NM_001100.4 (MANE Select); coding-DNA position 1058, C replaced by T.
Protein change: p.Thr353Ile; replaces threonine 353 with isoleucine.
Molecular consequence: missense variant.
Genome position (GRCh38, 1-based): chr1:229,431,575, G>A on the plus strand (C>T on the coding strand, the complement: ACTA1 is on the minus strand). VCF-style: chr1-229431575-G-A. GRCh37 (hg19) VCF-style: chr1-229567322-G-A.
Other names: short protein forms T353I.
Identifiers: ClinVar variation 3377005 (VCV003377005.2).